The following is an entry in ClinVar:

NM_001614.5(ACTG1):c.177G>T (p.Gln59His)

Gene: ACTG1 (actin gamma 1; minus strand). Cytogenetic location: 17q25.3.
Variant type: single nucleotide variant.
Coding change: c.177G>T on transcript NM_001614.5 (MANE Select); coding-DNA position 177, G replaced by T.
Protein change: p.Gln59His; replaces glutamine 59 with histidine.
Molecular consequence: missense variant. On other transcripts: non-coding transcript variant (1).
Genome position (GRCh38, 1-based): chr17:81,512,089, C>A on the plus strand (G>T on the coding strand, the complement: ACTG1 is on the minus strand). VCF-style: chr17-81512089-C-A. GRCh37 (hg19) VCF-style: chr17-79479115-C-A.
Other names: c.177G>T, p.Gln59His (NM_001199954.3); short protein forms Q59H.
Identifiers: ClinVar variation 4782817 (VCV004782817.1).

ClinVar aggregate classification (germline): Uncertain significance (1 of 4 stars; one submission).

Conditions:
Autosomal dominant nonsyndromic hearing loss 20. Identifiers: Orphanet 90635, MedGen C1858172, MONDO:0011480, OMIM 604717.
Baraitser-winter syndrome 2. Identifiers: Orphanet 2995, MedGen C3281235, MONDO:0013812, OMIM 614583.

Submission:

Labcorp Genetics (formerly Invitae), Labcorp
Classification: Uncertain significance for Baraitser-winter syndrome 2; Autosomal dominant nonsyndromic hearing loss 20. Last evaluated: 2025-09-08. Review status: criteria provided, single submitter. Criteria: Invitae Variant Classification Sherloc (09022015). Collection method: clinical testing. Allele origin: germline.
Comment: This sequence change replaces glutamine, which is neutral and polar, with histidine, which is basic and polar, at codon 59 of the ACTG1 protein (p.Gln59His). This variant is not present in population databases (gnomAD no frequency). This variant has not been reported in the literature in individuals affected with ACTG1-related conditions. Invitae Evidence Modeling of protein sequence and biophysical properties (such as structural, functional, and spatial information, amino acid conservation, physicochemical variation, residue mobility, and thermodynamic stability) indicates that this missense variant is not expected to disrupt ACTG1 protein function with a negative predictive value of 80%. In summary, the available evidence is currently insufficient to determine the role of this variant in disease. Therefore, it has been classified as a Variant of Uncertain Significance.